The following is an entry in ClinVar:

ClinVar aggregate classification (germline): Likely benign (1 of 4 stars; one submission).

Allele frequency attached by ClinVar (database versions not stated): TOPMed 0.00003; gnomAD 0.00004 and 0.00005; 1000 Genomes Project 30x 0.00016.
gnomAD v4.1: 7 of 152,722 alleles (0.0046%); highest among the groups gnomAD compares: African/African-American, 0.017%; no homozygotes.

Submission:

GeneDx
Classification: Likely benign. Last evaluated: 2017-08-08. Review status: criteria provided, single submitter. Criteria: GeneDx Variant Classification (06012015). Collection method: clinical testing. Allele origin: germline. Affected: yes.
Comment: This variant is considered likely benign or benign based on one or more of the following criteria: it is a conservative change, it occurs at a poorly conserved position in the protein, it is predicted to be benign by multiple in silico algorithms, and/or has population frequency not consistent with disease.

NM_002691.4(POLD1):c.-2+19G>A

Gene: POLD1 (DNA polymerase delta 1, catalytic subunit; plus strand). Cytogenetic location: 19q13.33.
Variant type: single nucleotide variant.
Coding change: c.-2+19G>A on transcript NM_002691.4 (MANE Select); 19 bases into the intron after 2 bases upstream of the start codon, G replaced by A.
Molecular consequence: intron variant.
Genome position (GRCh38, 1-based): chr19:50,384,409, G>A. VCF-style: chr19-50384409-G-A. GRCh37 (hg19) VCF-style: chr19-50887666-G-A.
Other names: c.-5+19G>A (LRG_785t1, NM_001256849.1).
Identifiers: ClinVar variation 511404 (VCV000511404.1), dbSNP rs970495066, ClinGen allele CA309606000.